The following is an entry in ClinVar:

NM_004369.4(COL6A3):c.5369C>T (p.Ala1790Val)

Gene: COL6A3 (collagen type VI alpha 3 chain; minus strand). Cytogenetic location: 2q37.3.
Variant type: single nucleotide variant.
Coding change: c.5369C>T on transcript NM_004369.4 (MANE Select); coding-DNA position 5369, C replaced by T.
Protein change: p.Ala1790Val; replaces alanine 1790 with valine.
Molecular consequence: missense variant.
Genome position (GRCh38, 1-based): chr2:237,366,818, G>A on the plus strand (C>T on the coding strand, the complement: COL6A3 is on the minus strand). VCF-style: chr2-237366818-G-A. GRCh37 (hg19) VCF-style: chr2-238275461-G-A.
Other names: p.Ala1790Val; c.3548C>T, p.Ala1183Val (NM_057166.5); c.4751C>T, p.Ala1584Val (NM_057167.4); short protein forms A1183V, A1584V, A1790V.
Identifiers: ClinVar variation 639539 (VCV000639539.18), dbSNP rs140513454, ClinGen allele CA2188684.

ClinVar aggregate classification (germline): Uncertain significance. Review status: criteria provided, multiple submitters, no conflicts (2 of 4 stars). 5 submissions from 5 submitters: Uncertain significance (4). 1 of the submissions does not count toward it. Last evaluated 2026-03-01.

Conditions:
Tip-toe gait. Also called: Toe walking. Identifiers: MedGen C0427144, HP:0030051.
Bethlem myopathy 1A. Also called: MYOPATHY, BENIGN CONGENITAL, WITH CONTRACTURES; Bethlem myopathy 1; Bethlem Muscular Dystrophy. Identifiers: Orphanet 610, MedGen CN029274, MONDO:0024530, OMIM 158810.

Allele frequency attached by ClinVar (database versions not stated): ExAC 0.00002; gnomAD exomes 0.00002; TOPMed 0.00002; ESP Exome Variant Server 0.00008.
gnomAD v4.1: 23 of 1,614,236 alleles (0.0014%); highest among the groups gnomAD compares: East Asian, 0.0067%; no homozygotes.

Submissions (5):

CeGaT Center for Human Genetics Tuebingen
Classification: Uncertain significance. Last evaluated: 2026-03-01. Review status: criteria provided, single submitter. Criteria: CeGaT Center For Human Genetics Tuebingen Variant Classification Criteria Version 2. Collection method: clinical testing. Allele origin: germline. Affected: yes. Observed: 1 variant allele.
Comment: COL6A3: PM2

Labcorp Genetics (formerly Invitae), Labcorp
Classification: Uncertain significance for Bethlem myopathy 1A. Last evaluated: 2025-05-08. Review status: criteria provided, single submitter. Criteria: Invitae Variant Classification Sherloc (09022015). Collection method: clinical testing. Allele origin: germline.
Comment: This sequence change replaces alanine, which is neutral and non-polar, with valine, which is neutral and non-polar, at codon 1790 of the COL6A3 protein (p.Ala1790Val). This variant is present in population databases (rs140513454, gnomAD 0.006%). This variant has not been reported in the literature in individuals affected with COL6A3-related conditions. ClinVar contains an entry for this variant (Variation ID: 639539). Invitae Evidence Modeling of protein sequence and biophysical properties (such as structural, functional, and spatial information, amino acid conservation, physicochemical variation, residue mobility, and thermodynamic stability) indicates that this missense variant is not expected to disrupt COL6A3 protein function with a negative predictive value of 80%. In summary, the available evidence is currently insufficient to determine the role of this variant in disease. Therefore, it has been classified as a Variant of Uncertain Significance.

Mayo Clinic Laboratories, Mayo Clinic
Classification: Uncertain significance. Last evaluated: 2023-05-11. Review status: criteria provided, single submitter. Criteria: ACMG Guidelines, 2015. Collection method: clinical testing. Allele origin: germline. Observed: 1 variant allele.

Revvity Omics, Revvity
Classification: Uncertain significance. Last evaluated: 2022-09-22. Review status: criteria provided, single submitter. Criteria: ACMG Guidelines, 2015. Collection method: clinical testing. Allele origin: germline.

Practice for Gait Abnormalities, David Pomarino, Competency Network Toe Walking C/o Practice Pomarino
Classification: Pathogenic, low penetrance for Tip-toe gait. Review status: no assertion criteria provided. Collection method: clinical testing. Allele origin: germline. Affected: yes. Not counted in ClinVar's aggregate classification.
Comment: Myopathy refers to diseases that affect skeletal Muscles. These diseases attack muscle fibers, making muscles weak. Inherited myopathies are often caused by inheriting an abnormal gene mutation from a parent that causes the disease. Symptoms of congenital myopathies usually start at birth or in early childhood, but may not appear until the teen years or even later in adulthood. Congenital myopathies are somewhat unique compared with other inherited myopathies, as weakness typically affects all muscles and is often not progressive. Symptoms are: Muscle weakness, most commonly of upper arms and shoulders and thighs, muscle cramps, stiffness and spasms, fatigue with exertion and lack of energy. Our patients all walk on tiptoe, so they show similar symptoms. When we genetically test them with our toe walking panel, we find that around 90 per cent of them have a genetic variant that explains their toe walking. These can be assigned, for example, to the area of myopathies (such as variants of the COL6A3 gene), the area of hereditary neuropathies (such as variants of the KMT2C gene) or the area of metabolic diseases (such as variants of the PYGM gene). In a smaller group of patients with almost identical symptoms, no abnormality is found in the genes of our panel, but spastic paraplegia can be detected. In another small group of our toe walkers, no abnormalities can be detected in the genes analysed in our toe walking panel, nor do they suffer from spastic paraplegia, as is also the case with healthy children. In contrast to these, however, they show a tiptoe gait. These patients suffer from infantile cerebral palsy, in which toe walking can also be observed.

Literature cited by the submitters: PubMed 37091313 (cited by Practice for Gait Abnormalities, David Pomarino, Competency Network Toe Walking C/o Practice Pomarino).